The following is an entry in ClinVar:

NM_001447.3(FAT2):c.10768G>A (p.Ala3590Thr)

Genes: FAT2 (FAT atypical cadherin 2; minus strand), SLC36A1 (solute carrier family 36 member 1; plus strand). Cytogenetic location: 5q33.1.
Variant type: single nucleotide variant.
Coding change: c.10768G>A on transcript NM_001447.3 (MANE Select); coding-DNA position 10768, G replaced by A.
Protein change: p.Ala3590Thr; replaces alanine 3590 with threonine.
Molecular consequence: missense variant.
Genome position (GRCh38, 1-based): chr5:151,521,825, C>T on the plus strand (G>A on the coding strand, the complement: FAT2 is on the minus strand). VCF-style: chr5-151521825-C-T. GRCh37 (hg19) VCF-style: chr5-150901386-C-T.
Other names: short protein forms A3590T.
Identifiers: ClinVar variation 2049174 (VCV002049174.4), dbSNP rs146222944, ClinGen allele CA129932514.

ClinVar aggregate classification (germline): Uncertain significance (1 of 4 stars; one submission).

Allele frequency attached by ClinVar (database versions not stated): gnomAD exomes 0.00001; gnomAD 0.00005; TOPMed 0.00009; ESP Exome Variant Server 0.00015.
gnomAD v4.1: 24 of 1,613,978 alleles (0.0015%); highest among the groups gnomAD compares: African/African-American, 0.016%; no homozygotes.

Submission:

Labcorp Genetics (formerly Invitae), Labcorp
Classification: Uncertain significance. Last evaluated: 2024-02-24. Review status: criteria provided, single submitter. Criteria: Invitae Variant Classification Sherloc (09022015). Collection method: clinical testing. Allele origin: germline.
Comment: This sequence change replaces alanine, which is neutral and non-polar, with threonine, which is neutral and polar, at codon 3590 of the FAT2 protein (p.Ala3590Thr). This variant is present in population databases (rs146222944, gnomAD 0.02%). This variant has not been reported in the literature in individuals affected with FAT2-related conditions. ClinVar contains an entry for this variant (Variation ID: 2049174). Algorithms developed to predict the effect of missense changes on protein structure and function output the following: SIFT: "Not Available"; PolyPhen-2: "Benign"; Align-GVGD: "Not Available". The threonine amino acid residue is found in multiple mammalian species, which suggests that this missense change does not adversely affect protein function. In summary, the available evidence is currently insufficient to determine the role of this variant in disease. Therefore, it has been classified as a Variant of Uncertain Significance.